The following is an entry in ClinVar:

ClinVar aggregate classification (germline): Likely pathogenic (1 of 4 stars; one submission).

Conditions:
Dilated cardiomyopathy 1G (CMD1G). Identifiers: Orphanet 154, MedGen C1858763, MONDO:0011400, OMIM 604145.
Autosomal recessive limb-girdle muscular dystrophy type 2J (LGMDR10). Also called: Limb-girdle muscular dystrophy, type 2J; MUSCULAR DYSTROPHY, LIMB-GIRDLE, AUTOSOMAL RECESSIVE 10. Identifiers: Orphanet 140922, MedGen C1837342, MONDO:0012127, OMIM 608807.

Submission:

Labcorp Genetics (formerly Invitae), Labcorp
Classification: Likely pathogenic for Dilated cardiomyopathy 1G; Autosomal recessive limb-girdle muscular dystrophy type 2J. Last evaluated: 2024-10-06. Review status: criteria provided, single submitter. Criteria: Invitae Variant Classification Sherloc (09022015). Collection method: clinical testing. Allele origin: germline.
Comment: This sequence change creates a premature translational stop signal (p.Trp2388*) in the TTN gene. While this is not anticipated to result in nonsense mediated decay, it is expected to create a truncated TTN protein. This variant is not present in population databases (gnomAD no frequency). This variant has not been observed in the literature in individuals with autosomal recessive TTN-related conditions. This variant has been reported in individual(s) with dilated cardiomyopathy (internal data); however, the role of the variant in this condition is currently unclear. This variant is located in the I band of TTN (PMID: 25589632). Truncating variants in this region have been reported in individuals affected with autosomal recessive centronuclear myopathy (PMID: 23975875, internal data). Truncating variants in this region have also been identified in individuals affected with autosomal dominant dilated cardiomyopathy and/or cardio-related conditions (PMID: 27869827, 32964742, internal data). In summary, the currently available evidence indicates that the variant is pathogenic, but additional data are needed to prove that conclusively. Therefore, this variant has been classified as Likely Pathogenic.

Literature cited by the submitters: PubMed 25589632; PubMed 23975875; PubMed 27869827; PubMed 32964742.

NM_001267550.2(TTN):c.7163G>A (p.Trp2388Ter)

Genes: TTN (titin; minus strand), LOC126806433 (BRD4-independent group 4 enhancer GRCh37_chr2:179638309-179639508; plus strand). Cytogenetic location: 2q31.2.
Variant type: single nucleotide variant.
Coding change: c.7163G>A on transcript NM_001267550.2 (MANE Select); coding-DNA position 7163, G replaced by A.
Protein change: p.Trp2388Ter; replaces tryptophan 2388 with a stop codon.
Molecular consequence: nonsense.
Genome position (GRCh38, 1-based): chr2:178,774,005, C>T on the plus strand (G>A on the coding strand, the complement: TTN is on the minus strand). VCF-style: chr2-178774005-C-T. GRCh37 (hg19) VCF-style: chr2-179638732-C-T.
Other names: c.7163G>A, p.Trp2388Ter (NM_001256850.1, NM_133378.4, NM_133379.5); c.7025G>A, p.Trp2342Ter (NM_003319.4, NM_133432.3, NM_133437.4); short protein forms W2342*, W2388*.
Identifiers: ClinVar variation 3759375 (VCV003759375.2).